The following is an entry in ClinVar:

ClinVar aggregate classification (germline): Uncertain significance. Review status: criteria provided, multiple submitters, no conflicts (2 of 4 stars). 2 submissions from 2 submitters: Uncertain significance (2). Last evaluated 2025-09-27.

Conditions:
RASopathy. Also called: rasopathies; Noonan spectrum disorder. Identifiers: Orphanet 536391, MedGen C5555857, MONDO:0021060.
CBL-related disorder. Also called: CBL MUTATION-ASSOCIATED SYNDROME; CBL SYNDROME; NOONAN SYNDROME-LIKE DISORDER WITHOUT JUVENILE MYELOMONOCYTIC LEUKEMIA. Identifiers: Orphanet 363972, MedGen C3150803, MONDO:0013308, OMIM 613563.
Juvenile myelomonocytic leukemia (JMML). Also called: LEUKEMIA, JUVENILE MYELOMONOCYTIC, SOMATIC. Identifiers: Orphanet 86834, MedGen C0349639, MONDO:0011908, OMIM 607785, HP:0012209.

Allele frequency attached by ClinVar (database versions not stated): gnomAD 0.00001; gnomAD exomes 0.00001; TOPMed 0.00001.
gnomAD v4.1: 11 of 1,613,720 alleles (0.00068%); highest among the groups gnomAD compares: South Asian, 0.0011%; no homozygotes.

Submissions (2):

Labcorp Genetics (formerly Invitae), Labcorp
Classification: Uncertain significance for RASopathy. Last evaluated: 2025-09-27. Review status: criteria provided, single submitter. Criteria: Invitae Variant Classification Sherloc (09022015). Collection method: clinical testing. Allele origin: germline.
Comment: This sequence change replaces arginine, which is basic and polar, with glutamine, which is neutral and polar, at codon 540 of the CBL protein (p.Arg540Gln). This variant is present in population databases (no rsID available, gnomAD 0.0009%). This variant has not been reported in the literature in individuals affected with CBL-related conditions. ClinVar contains an entry for this variant (Variation ID: 951269). Invitae Evidence Modeling of protein sequence and biophysical properties (such as structural, functional, and spatial information, amino acid conservation, physicochemical variation, residue mobility, and thermodynamic stability) indicates that this missense variant is not expected to disrupt CBL protein function with a negative predictive value of 95%. In summary, the available evidence is currently insufficient to determine the role of this variant in disease. Therefore, it has been classified as a Variant of Uncertain Significance.

Fulgent Genetics
Classification: Uncertain significance for Juvenile myelomonocytic leukemia; CBL-related disorder. Last evaluated: 2021-09-30. Review status: criteria provided, single submitter. Criteria: ACMG Guidelines, 2015. Collection method: clinical testing. Allele origin: unknown.

NM_005188.4(CBL):c.1619G>A (p.Arg540Gln)

Gene: CBL (Cbl proto-oncogene; plus strand). Cytogenetic location: 11q23.3.
Variant type: single nucleotide variant.
Coding change: c.1619G>A on transcript NM_005188.4 (MANE Select); coding-DNA position 1619, G replaced by A.
Protein change: p.Arg540Gln; replaces arginine 540 with glutamine.
Molecular consequence: missense variant.
Genome position (GRCh38, 1-based): chr11:119,285,244, G>A. VCF-style: chr11-119285244-G-A. GRCh37 (hg19) VCF-style: chr11-119155954-G-A.
Other names: short protein forms R540Q.
Identifiers: ClinVar variation 951269 (VCV000951269.10), dbSNP rs980503623, ClinGen allele CA229642211.
Genomic context (GRCh38, chr11:119,285,244, plus strand): 5'-CACAGGCTGCTTCTGGCTCCCTTCATAAAGACAAACCATTGCCAGTACCTCCCACACTTC[G>A]AGATCTTCCACCACCACCGCCTCCAGACCGGCCATATTCTGTTGGAGCAGAATCCCGACC-3'
Protein context (NP_005179.2, residues 530-550): DKPLPVPPTL[Arg540Gln]DLPPPPPPDR